The following is an entry in ClinVar:

ClinVar aggregate classification (germline): Pathogenic (1 of 4 stars; one submission).

Conditions:
Multiple gastrointestinal atresias. Also called: Multiple intestinal atresia; FAMILIAL INTESTINAL POLYATRESIA SYNDROME. Identifiers: Orphanet 2300, MedGen C0220744, MONDO:0009465.

gnomAD v4.1: 1 of 1,611,240 alleles (0.000062%); highest among the groups gnomAD compares: South Asian, 0.0011%; no homozygotes.

Submission:

Labcorp Genetics (formerly Invitae), Labcorp
Classification: Pathogenic for Multiple gastrointestinal atresias. Last evaluated: 2025-04-11. Review status: criteria provided, single submitter. Criteria: Invitae Variant Classification Sherloc (09022015). Collection method: clinical testing. Allele origin: germline.
Comment: This sequence change creates a premature translational stop signal (p.Gln500*) in the TTC7A gene. It is expected to result in an absent or disrupted protein product. Loss-of-function variants in TTC7A are known to be pathogenic (PMID: 23830146, 24292712). This variant is present in population databases (rs760515833, gnomAD 0.003%). This variant has not been reported in the literature in individuals affected with TTC7A-related conditions. ClinVar contains an entry for this variant (Variation ID: 3715650). For these reasons, this variant has been classified as Pathogenic.

Literature cited by the submitters: PubMed 23830146; PubMed 24292712.

NM_020458.4(TTC7A):c.1498C>T (p.Gln500Ter)

Gene: TTC7A (tetratricopeptide repeat domain 7A; plus strand). Cytogenetic location: 2p21.
Variant type: single nucleotide variant.
Coding change: c.1498C>T on transcript NM_020458.4 (MANE Select); coding-DNA position 1498, C replaced by T.
Protein change: p.Gln500Ter; replaces glutamine 500 with a stop codon.
Molecular consequence: nonsense.
Genome position (GRCh38, 1-based): chr2:47,021,967, C>T. VCF-style: chr2-47021967-C-T. GRCh37 (hg19) VCF-style: chr2-47249106-C-T.
Other names: c.1498C>T, p.Gln500Ter (NM_001288951.2); c.1396C>T, p.Gln466Ter (NM_001288953.2); c.436C>T, p.Gln146Ter (NM_001288955.2); short protein forms Q146*, Q466*, Q500*.
Identifiers: ClinVar variation 3715650 (VCV003715650.2).
Genomic context (GRCh38, chr2:47,021,967, plus strand): 5'-GAGGAAGCCGGGGAGTTCCTCCCCAAGGGCTACCTGGCTCTGGGTCTCACCTATAGCCTG[C>T]AGGCCACCGACGGTGAGTGCCAGGCCCCAGGAGGCCTCTACTTGGGGATGGCTCAGGCTT-3'